The following is an entry in ClinVar:

NM_024642.5(GALNT12):c.1044G>A (p.Gln348=)

Gene: GALNT12 (polypeptide N-acetylgalactosaminyltransferase 12; plus strand). Cytogenetic location: 9q22.33.
Variant type: single nucleotide variant.
Coding change: c.1044G>A on transcript NM_024642.5 (MANE Select); coding-DNA position 1044, G replaced by A.
Protein change: p.Gln348=; no amino-acid change (glutamine 348 retained).
Molecular consequence: synonymous variant.
Genome position (GRCh38, 1-based): chr9:98,836,980, G>A. VCF-style: chr9-98836980-G-A. GRCh37 (hg19) VCF-style: chr9-101599262-G-A.
Identifiers: ClinVar variation 703615 (VCV000703615.14), dbSNP rs768255143, ClinGen allele CA5154162.
Genomic context (GRCh38, chr9:98,836,980, plus strand): 5'-CCGCAGCTCATCCCCTGCTCACCACCTGGCCTCTCCTTTTCTCTGTGTGCAGATCTGGCA[G>A]TGTGGTGGGGTTCTGGAAACACACCCATGTTCCCATGTTGGCCATGTTTTCCCCAAGCAA-3'
Protein context (NP_078918.3, residues 338-358): ENLEFSFRIW[Gln348=]CGGVLETHPC

ClinVar aggregate classification (germline): Benign/Likely benign. Review status: criteria provided, multiple submitters, no conflicts (2 of 4 stars). 3 submissions from 3 submitters: Benign (1); Likely benign (2). Last evaluated 2026-04-24.

Conditions:
Colorectal cancer, susceptibility to, 1. Also called: COLORECTAL ADENOMA AND CANCER, SUSCEPTIBILITY TO; COLORECTAL CANCER, SUSCEPTIBILITY TO, ON CHROMOSOME 9. Identifiers: MedGen C1837315, MONDO:0012132, OMIM 608812.

Allele frequency attached by ClinVar (database versions not stated): gnomAD exomes 0.00001; gnomAD 0.00001; TOPMed below 0.00001; ExAC 0.00001.
gnomAD v4.1: 17 of 1,614,020 alleles (0.0011%); highest among the groups gnomAD compares: East Asian, 0.0045%; no homozygotes.

Submissions (3):

Myriad Genetics, Inc.
Classification: Benign for Colorectal cancer, susceptibility to, 1. Last evaluated: 2026-04-24. Review status: criteria provided, single submitter. Criteria: Myriad Autosomal Dominant, Autosomal Recessive and X-Linked Classification Criteria (2023). Collection method: clinical testing. Allele origin: unknown.
Comment: This variant is considered benign. This variant is a silent/synonymous amino acid change and it is not expected to impact splicing.

Labcorp Genetics (formerly Invitae), Labcorp
Classification: Likely benign. Last evaluated: 2025-06-16. Review status: criteria provided, single submitter. Criteria: Invitae Variant Classification Sherloc (09022015). Collection method: clinical testing. Allele origin: germline.

Ambry Genetics
Classification: Likely benign. Last evaluated: 2021-03-04. Review status: criteria provided, single submitter. Criteria: Ambry Variant Classification Scheme 2023. Collection method: clinical testing. Allele origin: germline.